The following is an entry in ClinVar:

ClinVar aggregate classification (germline): Uncertain significance. Review status: criteria provided, multiple submitters, no conflicts (2 of 4 stars). 2 submissions from 2 submitters: Uncertain significance (2). Last evaluated 2022-10-04.

Allele frequency attached by ClinVar (database versions not stated): gnomAD 0.00002; ExAC 0.00005; TOPMed 0.00006.
gnomAD v4.1: 20 of 1,613,724 alleles (0.0012%); highest among the groups gnomAD compares: Admixed American, 0.025%; no homozygotes.

Submissions (2):

GeneDx
Classification: Uncertain significance. Last evaluated: 2022-10-04. Review status: criteria provided, single submitter. Criteria: GeneDx Variant Classification Process June 2021. Collection method: clinical testing. Allele origin: germline. Affected: yes.
Comment: In silico analysis supports that this missense variant does not alter protein structure/function; Has not been previously published as pathogenic or benign to our knowledge

Labcorp Genetics (formerly Invitae), Labcorp
Classification: Uncertain significance. Last evaluated: 2022-09-27. Review status: criteria provided, single submitter. Criteria: Invitae Variant Classification Sherloc (09022015). Collection method: clinical testing. Allele origin: germline.
Comment: This sequence change replaces phenylalanine, which is neutral and non-polar, with serine, which is neutral and polar, at codon 3125 of the CDH23 protein (p.Phe3125Ser). This variant is present in population databases (rs762355670, gnomAD 0.02%). This variant has not been reported in the literature in individuals affected with CDH23-related conditions. Advanced modeling of protein sequence and biophysical properties (such as structural, functional, and spatial information, amino acid conservation, physicochemical variation, residue mobility, and thermodynamic stability) performed at Invitae indicates that this missense variant is not expected to disrupt CDH23 protein function. In summary, the available evidence is currently insufficient to determine the role of this variant in disease. Therefore, it has been classified as a Variant of Uncertain Significance.

NM_022124.6(CDH23):c.9374T>C (p.Phe3125Ser)

Gene: CDH23 (cadherin related 23; plus strand). Cytogenetic location: 10q22.1.
Variant type: single nucleotide variant.
Coding change: c.9374T>C on transcript NM_022124.6 (MANE Select); coding-DNA position 9374, T replaced by C.
Protein change: p.Phe3125Ser; replaces phenylalanine 3125 with serine.
Molecular consequence: missense variant. On other transcripts: 5 prime UTR variant (2).
Genome position (GRCh38, 1-based): chr10:71,812,009, T>C. VCF-style: chr10-71812009-T-C. GRCh37 (hg19) VCF-style: chr10-73571766-T-C.
Other names: c.2654T>C, p.Phe885Ser (NM_001171933.1, NM_001171934.1); c.-283T>C (NM_001171935.1, NM_001171936.1); short protein forms F3125S, F885S.
Identifiers: ClinVar variation 1708913 (VCV001708913.3), dbSNP rs762355670, ClinGen allele CA5546996.